The following is an entry in ClinVar:

ClinVar aggregate classification (germline): Uncertain significance (1 of 4 stars; one submission).

Conditions:
Hereditary breast ovarian cancer syndrome. Also called: Hereditary breast and ovarian cancer; Hereditary breast and ovarian cancer syndrome; Breast and ovarian cancer; BRCA1- and BRCA2-Associated Hereditary Breast and Ovarian Cancer; Hereditary breast and ovarian cancer syndrome (HBOC); Hereditary breast and/or ovarian cancer syndrome. Identifiers: Orphanet 145, MedGen C0677776, MeSH D061325, MONDO:0003582. Disease mechanism: loss of function.

Submission:

Labcorp Genetics (formerly Invitae), Labcorp
Classification: Uncertain significance for Hereditary breast ovarian cancer syndrome. Last evaluated: 2023-08-16. Review status: criteria provided, single submitter. Criteria: Invitae Variant Classification Sherloc (09022015). Collection method: clinical testing. Allele origin: germline.
Comment: In summary, the available evidence is currently insufficient to determine the role of this variant in disease. Therefore, it has been classified as a Variant of Uncertain Significance. Advanced modeling of protein sequence and biophysical properties (such as structural, functional, and spatial information, amino acid conservation, physicochemical variation, residue mobility, and thermodynamic stability) performed at Invitae indicates that this missense variant is not expected to disrupt BRCA1 protein function. This variant has not been reported in the literature in individuals affected with BRCA1-related conditions. This variant is not present in population databases (gnomAD no frequency). This sequence change replaces threonine, which is neutral and polar, with alanine, which is neutral and non-polar, at codon 715 of the BRCA1 protein (p.Thr715Ala).

NM_007294.4(BRCA1):c.2143A>G (p.Thr715Ala)

Gene: BRCA1 (BRCA1 DNA repair associated; minus strand). Cytogenetic location: 17q21.31.
Variant type: single nucleotide variant.
Coding change: c.2143A>G on transcript NM_007294.4 (MANE Select); coding-DNA position 2143, A replaced by G.
Protein change: p.Thr715Ala; replaces threonine 715 with alanine.
Molecular consequence: missense variant. On other transcripts: intron variant (137).
Genome position (GRCh38, 1-based): chr17:43,093,388, T>C on the plus strand (A>G on the coding strand, the complement: BRCA1 is on the minus strand). VCF-style: chr17-43093388-T-C. GRCh37 (hg19) VCF-style: chr17-41245405-T-C.
Other names: c.2143A>G, p.Thr715Ala (NM_001407641.1, NM_001407642.1, NM_001407652.1 and 30 more transcripts); c.2140A>G, p.Thr714Ala (NM_001407644.1, NM_001407645.1, NM_001407587.1 and 22 more transcripts); c.2134A>G, p.Thr712Ala (NM_001407646.1, NM_001407647.1); c.2065A>G, p.Thr689Ala (NM_001407654.1, NM_001407655.1, NM_001407653.1 and 4 more transcripts); c.2017A>G, p.Thr673Ala (NM_001407649.1, NM_001407670.1, NM_001407671.1 and 11 more transcripts); c.2020A>G, p.Thr674Ala (NM_001407648.1, NM_001407664.1, NM_001407665.1 and 19 more transcripts); c.1930A>G, p.Thr644Ala (NM_001407571.1, NM_001407853.1, NM_001407894.1 and 9 more transcripts); c.2062A>G, p.Thr688Ala (NM_001407659.1, NM_001407660.1, NM_001407661.1 and 1 more transcripts); and 41 more; short protein forms T603A, T604A, T644A, T647A, T674A, T588A, T648A, T667A.
Identifiers: ClinVar variation 2752906 (VCV002752906.3), dbSNP rs730881477, ClinGen allele CA10597718.
Genomic context (GRCh38, chr17:43,093,388, plus strand): 5'-GTTTCTCTTCTTTTTCTTCTCTTGGAAGGCTAGGATTGACAAATTCTTTAAGTTCACTGG[T>C]ATTTGAACACTTAGTAAAAGAACCAGGTGCATTTGTTAACTTCAGCTCTGGGAAAGTATC-3'
Protein context (NP_009225.1, residues 705-725): APGSFTKCSN[Thr715Ala]SELKEFVNPS